The following is an entry in ClinVar:

ClinVar aggregate classification (germline): Uncertain significance (1 of 4 stars; one submission).

Conditions:
Cardiovascular phenotype. Identifiers: MedGen CN230736.

Submission:

Ambry Genetics
Classification: Uncertain significance for Cardiovascular phenotype. Last evaluated: 2026-05-23. Review status: criteria provided, single submitter. Criteria: Ambry Variant Classification Scheme 2023. Collection method: clinical testing. Allele origin: germline.
Comment: The p.F4951L variant (also known as c.14853T>A), located in coding exon 105 of the RYR2 gene, results from a T to A substitution at nucleotide position 14853. The phenylalanine at codon 4951 is replaced by leucine, an amino acid with highly similar properties. This amino acid position is conserved. In addition, the in silico prediction for this alteration is inconclusive. Based on the available evidence, the clinical significance of this variant remains unclear.

NM_001035.3(RYR2):c.14853T>A (p.Phe4951Leu)

Gene: RYR2 (ryanodine receptor 2; plus strand). Cytogenetic location: 1q43.
Variant type: single nucleotide variant.
Coding change: c.14853T>A on transcript NM_001035.3 (MANE Select); coding-DNA position 14853, T replaced by A.
Protein change: p.Phe4951Leu; replaces phenylalanine 4951 with leucine.
Molecular consequence: missense variant.
Genome position (GRCh38, 1-based): chr1:237,832,596, T>A. VCF-style: chr1-237832596-T-A. GRCh37 (hg19) VCF-style: chr1-237995896-T-A.
Other names: short protein forms F4951L.
Identifiers: ClinVar variation 4863720 (VCV004863720.1).